The following is an entry in ClinVar:

ClinVar aggregate classification (germline): Uncertain significance. Review status: criteria provided, multiple submitters, no conflicts (2 of 4 stars). 3 submissions from 3 submitters: Uncertain significance (3). Last evaluated 2025-08-07.

Conditions:
Neurofibromatosis, type 1 (NF1). Also called: VON RECKLINGHAUSEN DISEASE; Peripheral type neurofibromatosis; Neurofibromatosis, type I; NEUROFIBROMATOSIS, TYPE I, SOMATIC. Identifiers: Orphanet 636, MedGen C0027831, MONDO:0018975, OMIM 162200. Disease mechanism: loss of function.

Allele frequency attached by ClinVar (database versions not stated): gnomAD exomes below 0.00001.
gnomAD v4.1: 1 of 1,614,174 alleles (0.000062%); highest among the groups gnomAD compares: Admixed American, 0.0017%; no homozygotes.

Submissions (3):

Labcorp Genetics (formerly Invitae), Labcorp
Classification: Uncertain significance for Neurofibromatosis, type 1. Last evaluated: 2025-08-07. Review status: criteria provided, single submitter. Criteria: Invitae Variant Classification Sherloc (09022015). Collection method: clinical testing. Allele origin: germline.
Comment: This sequence change replaces lysine, which is basic and polar, with arginine, which is basic and polar, at codon 1670 of the NF1 protein (p.Lys1670Arg). This variant is present in population databases (no rsID available, gnomAD 0.003%). This variant has not been reported in the literature in individuals affected with NF1-related conditions. ClinVar contains an entry for this variant (Variation ID: 216406). Invitae Evidence Modeling of protein sequence and biophysical properties (such as structural, functional, and spatial information, amino acid conservation, physicochemical variation, residue mobility, and thermodynamic stability) has been performed for this missense variant. However, the output from this modeling did not meet the statistical confidence thresholds required to predict the impact of this variant on NF1 protein function. In summary, the available evidence is currently insufficient to determine the role of this variant in disease. Therefore, it has been classified as a Variant of Uncertain Significance.

Genome-Nilou Lab
Classification: Uncertain significance for Neurofibromatosis, type 1. Last evaluated: 2022-03-15. Review status: criteria provided, single submitter. Criteria: ACMG Guidelines, 2015. Collection method: clinical testing. Allele origin: germline. Affected: no.

Greenwood Genetic Center Diagnostic Laboratories, Greenwood Genetic Center
Classification: Uncertain significance. Last evaluated: 2021-04-27. Review status: criteria provided, single submitter. Criteria: ACMG Guidelines, 2015. Collection method: clinical testing. Allele origin: germline. Affected: yes.
Comment: PP2, PP3

NM_001042492.3(NF1):c.5072A>G (p.Lys1691Arg)

Gene: NF1 (neurofibromin 1; plus strand). Cytogenetic location: 17q11.2.
Variant type: single nucleotide variant.
Coding change: c.5072A>G on transcript NM_001042492.3 (MANE Select); coding-DNA position 5072, A replaced by G.
Protein change: p.Lys1691Arg; replaces lysine 1691 with arginine.
Molecular consequence: missense variant.
Genome position (GRCh38, 1-based): chr17:31,326,056, A>G. VCF-style: chr17-31326056-A-G. GRCh37 (hg19) VCF-style: chr17-29653074-A-G.
Other names: c.5009A>G, p.Lys1670Arg (NM_000267.4); short protein forms K1670R, K1691R.
Identifiers: ClinVar variation 216406 (VCV000216406.12), dbSNP rs863224661, ClinGen allele CA338845.